The following is an entry in ClinVar:

NM_032634.4(PIGO):c.1176_1186del (p.Glu392fs)

Gene: PIGO (phosphatidylinositol glycan anchor biosynthesis class O; minus strand). Cytogenetic location: 9p13.3.
Variant type: Deletion.
Coding change: c.1176_1186del on transcript NM_032634.4 (MANE Select); coding-DNA positions 1176 to 1186, 11 bases deleted (GCTTCATCAGC).
Protein change: p.Glu392fs; shifts the reading frame from glutamic acid 392.
Molecular consequence: frameshift variant.
Genome position (GRCh38, 1-based): chr9:35,092,701-35,092,711, GCTGATGAAGC deleted on the plus strand (GCTTCATCAGC on the coding strand, the reverse complement: PIGO is on the minus strand). VCF-style (leftmost placement, unchanged base first): chr9-35092700-AGCTGATGAAGC-A. GRCh37 (hg19) VCF-style: chr9-35092697-AGCTGATGAAGC-A.
Other names: c.1176_1186del, p.Glu392fs (NM_001201484.2, NM_152850.4); short protein forms E392fs.
Identifiers: ClinVar variation 931654 (VCV000931654.3), dbSNP rs1829490529, ClinGen allele CA1139660982.
Genomic context (GRCh38, chr9:35,092,700, plus strand): 5'-CCCTTGGGGCTCTGGAGAAGCCACTGGTAGTCAGCAGAGGCCTTGGAGAAGAGGTTCTGC[AGCTGATGAAGC>A]TCCTTAGCTTGAAGGTCCTGAGTAGCAGCTGAGTAGGTATGAAGAAATCGGGACACCTGG-3'

ClinVar aggregate classification (germline): Likely pathogenic (1 of 4 stars; one submission).

Conditions:
Hyperphosphatasia with impaired intellectual development syndrome 2. Also called: Hyperphosphatasia with intellectual disability syndrome 2; GLYCOSYLPHOSPHATIDYLINOSITOL BIOSYNTHESIS DEFECT 6. Identifiers: Orphanet 247262, MedGen C3553637, MONDO:0013882, OMIM 614749.

Submission:

Centre for Mendelian Genomics, University Medical Centre Ljubljana
Classification: Likely pathogenic for Hyperphosphatasia with impaired intellectual development syndrome 2. Last evaluated: 2019-11-14. Review status: criteria provided, single submitter. Criteria: ACMG Guidelines, 2015. Collection method: clinical testing. Allele origin: unknown. Affected: yes.
Comment: This variant was classified as: Likely pathogenic. The following ACMG criteria were applied in classifying this variant: PVS1,PM2.